The following is an entry in ClinVar:

NM_000135.4(FANCA):c.424A>T (p.Arg142Ter)

Gene: FANCA (FA complementation group A; minus strand). Cytogenetic location: 16q24.3.
Variant type: single nucleotide variant.
Coding change: c.424A>T on transcript NM_000135.4 (MANE Select); coding-DNA position 424, A replaced by T.
Protein change: p.Arg142Ter; replaces arginine 142 with a stop codon.
Molecular consequence: nonsense.
Genome position (GRCh38, 1-based): chr16:89,810,931, T>A on the plus strand (A>T on the coding strand, the complement: FANCA is on the minus strand). VCF-style: chr16-89810931-T-A. GRCh37 (hg19) VCF-style: chr16-89877339-T-A.
Other names: c.424A>T, p.Arg142Ter (NM_001018112.3, NM_001286167.3, NM_001351830.2); short protein forms R142*.
Identifiers: ClinVar variation 974097 (VCV000974097.8), dbSNP rs2040853392, ClinGen allele CA397480856.

ClinVar aggregate classification (germline): Pathogenic/Likely pathogenic. Review status: criteria provided, multiple submitters, no conflicts (2 of 4 stars). 4 submissions from 4 submitters: Pathogenic (2); Likely pathogenic (1). 1 of the submissions does not count toward it. Last evaluated 2023-11-07.

Conditions:
Fanconi anemia (FA). Also called: Fanconi's anemia. Identifiers: Orphanet 84, MedGen C0015625, MeSH D005199, MONDO:0019391.
Fanconi anemia complementation group A (FANCA). Also called: Fanconi anemia, group A; FANCA-Related Fanconi Anemia. Identifiers: Orphanet 84, MedGen C3469521, MONDO:0009215, OMIM 227650.

Submissions (4):

Labcorp Genetics (formerly Invitae), Labcorp
Classification: Pathogenic for Fanconi anemia. Last evaluated: 2023-11-07. Review status: criteria provided, single submitter. Criteria: Invitae Variant Classification Sherloc (09022015). Collection method: clinical testing. Allele origin: germline.
Comment: This sequence change creates a premature translational stop signal (p.Arg142*) in the FANCA gene. It is expected to result in an absent or disrupted protein product. Loss-of-function variants in FANCA are known to be pathogenic (PMID: 19367192). This variant is not present in population databases (gnomAD no frequency). This variant has not been reported in the literature in individuals affected with FANCA-related conditions. ClinVar contains an entry for this variant (Variation ID: 974097). Algorithms developed to predict the effect of sequence changes on RNA splicing suggest that this variant may disrupt the consensus splice site. For these reasons, this variant has been classified as Pathogenic.

Baylor Genetics
Classification: Pathogenic for Fanconi anemia complementation group A. Last evaluated: 2022-10-15. Review status: criteria provided, single submitter. Criteria: ACMG Guidelines, 2015. Collection method: clinical testing. Allele origin: unknown.

Myriad Genetics, Inc.
Classification: Likely pathogenic for Fanconi anemia complementation group A. Last evaluated: 2020-03-26. Review status: criteria provided, single submitter. Criteria: Myriad Women's Health Autosomal Recessive and X-Linked Classification Criteria (2019). Collection method: clinical testing. Allele origin: unknown.
Comment: NM_000135.2(FANCA):c.424A>T(R142*) is expected to be pathogenic in the context of Fanconi anemia complementation group A. This variant is predicted to lead to an abnormal or absent protein product due to the creation of a premature termination codon in FANCA, a gene where loss-of-function variants are known to be pathogenic. Please note: this variant was assessed in the context of healthy population screening.

Leiden Open Variation Database
Classification: Pathogenic for Fanconi anemia complementation group A. Last evaluated: 2020-02-28. Review status: no assertion criteria provided. Collection method: curation. Allele origin: germline. Affected: yes. Not counted in ClinVar's aggregate classification.
Comment: Curator: Arleen D. Auerbach. Submitter to LOVD: Arleen D. Auerbach.

Literature cited by the submitters: PubMed 19367192 (cited by Labcorp Genetics (formerly Invitae), Labcorp).